The following is an entry in ClinVar:

ClinVar aggregate classification (germline): Uncertain significance (0 of 4 stars; one submission).

Conditions:
KSR2-related disorder. Also called: KSR2-related condition.

gnomAD v4.1: 3 of 1,614,006 alleles (0.00019%); highest among the groups gnomAD compares: Non-Finnish European, 0.00017%; no homozygotes.

Submission:

PreventionGenetics, part of Exact Sciences
Classification: Uncertain significance for KSR2-related condition. Last evaluated: 2024-06-07. Review status: no assertion criteria provided. Collection method: clinical testing. Allele origin: germline.
Comment: The KSR2 c.274G>A variant is predicted to result in the amino acid substitution p.Glu92Lys. To our knowledge, this variant has not been reported in the literature or in a large population database, indicating this variant is rare. At this time, the clinical significance of this variant is uncertain due to the absence of conclusive functional and genetic evidence.

NM_173598.6(KSR2):c.361G>A (p.Glu121Lys)

Gene: KSR2 (kinase suppressor of ras 2; minus strand). Cytogenetic location: 12q24.23.
Variant type: single nucleotide variant.
Coding change: c.361G>A on transcript NM_173598.6 (MANE Select); coding-DNA position 361, G replaced by A.
Protein change: p.Glu121Lys; replaces glutamic acid 121 with lysine.
Molecular consequence: missense variant.
Genome position (GRCh38, 1-based): chr12:117,855,539, C>T on the plus strand (G>A on the coding strand, the complement: KSR2 is on the minus strand). VCF-style: chr12-117855539-C-T. GRCh37 (hg19) VCF-style: chr12-118293344-C-T.
Other names: short protein forms E121K.
Identifiers: ClinVar variation 3348332 (VCV003348332.1).
Genomic context (GRCh38, chr12:117,855,539, plus strand): 5'-ACTCCTCCCGGTTGGCTCCGTATTTCTCCACAGTCTCGCACACCTGTTCATCCGTCATCT[C>T]CAAGAGGTCCTCCAGGCTCAGCTGGCCGGGGGAGATTTCCTAGAGGAGGGGAGAAGGATT-3'
Protein context (NP_775869.4, residues 111-131): PGQLSLEDLL[Glu121Lys]MTDEQVCETV